The following is an entry in ClinVar:

NM_001378418.1(TCF20):c.5216C>A (p.Pro1739His)

Gene: TCF20 (transcription factor 20; minus strand). Cytogenetic location: 22q13.2.
Variant type: single nucleotide variant.
Coding change: c.5216C>A on transcript NM_001378418.1 (MANE Select); coding-DNA position 5216, C replaced by A.
Protein change: p.Pro1739His; replaces proline 1739 with histidine.
Molecular consequence: missense variant.
Genome position (GRCh38, 1-based): chr22:42,210,090, G>T on the plus strand (C>A on the coding strand, the complement: TCF20 is on the minus strand). VCF-style: chr22-42210090-G-T. GRCh37 (hg19) VCF-style: chr22-42606096-G-T.
Other names: c.5216C>A, p.Pro1739His (NM_005650.4, NM_181492.3); short protein forms P1739H.
Identifiers: ClinVar variation 4529579 (VCV004529579.1).
Genomic context (GRCh38, chr22:42,210,090, plus strand): 5'-CCATTAGAAGCACTTTTGTGCCGTACCTTAACTTTGCTCTGCATTTCTGTGGCCCTCTTA[G>T]GAGGTGGATTCTTCGGGAGAGTGGCTGCATAATCTTGGGGATAAAAAGGTCCAAAGAGGT-3'
Protein context (NP_001365347.1, residues 1729-1749): YAATLPKNPP[Pro1739His]KRATEMQSKV

ClinVar aggregate classification (germline): Uncertain significance (1 of 4 stars; one submission).

Submission:

GeneDx
Classification: Uncertain significance. Last evaluated: 2025-05-14. Review status: criteria provided, single submitter. Criteria: GeneDx Variant Classification Process June 2021. Collection method: clinical testing. Allele origin: germline. Affected: yes.
Comment: Not observed at significant frequency in large population cohorts (gnomAD); In silico analysis suggests that this missense variant does not alter protein structure/function; Has not been previously published as pathogenic or benign to our knowledge